The following is an entry in ClinVar:

ClinVar aggregate classification (germline): Uncertain significance (1 of 4 stars; one submission).

gnomAD v4.1: 1 of 1,608,524 alleles (0.000062%); highest among the groups gnomAD compares: Non-Finnish European, 0.000085%; no homozygotes.

Submission:

GeneDx
Classification: Uncertain significance. Last evaluated: 2022-07-27. Review status: criteria provided, single submitter. Criteria: GeneDx Variant Classification Process June 2021. Collection method: clinical testing. Allele origin: germline. Affected: yes.
Comment: Not observed at significant frequency in large population cohorts (gnomAD); In silico analysis supports that this missense variant has a deleterious effect on protein structure/function; Has not been previously published as pathogenic or benign to our knowledge

NM_005993.5(TBCD):c.958C>A (p.Arg320Ser)

Gene: TBCD (tubulin folding cofactor D). Cytogenetic location: 17q25.3.
Variant type: single nucleotide variant.
Coding change: c.958C>A on transcript NM_005993.5 (MANE Select); coding-DNA position 958, C replaced by A.
Protein change: p.Arg320Ser; replaces arginine 320 with serine.
Molecular consequence: missense variant.
Genome position (GRCh38, 1-based): chr17:82,805,882, C>A. VCF-style: chr17-82805882-C-A. GRCh37 (hg19) VCF-style: chr17-80763758-C-A.
Other names: c.907C>A, p.Arg303Ser (NM_001411101.1); c.958C>A, p.Arg320Ser (NM_001411102.1); short protein forms R303S, R320S.
Identifiers: ClinVar variation 2412855 (VCV002412855.2), dbSNP rs771304008, ClinGen allele CA8861831.